The following is an entry in ClinVar:

NM_000388.4(CASR):c.2240C>G (p.Pro747Arg)

Gene: CASR (calcium sensing receptor; plus strand). Cytogenetic location: 3q21.1.
Variant type: single nucleotide variant.
Coding change: c.2240C>G on transcript NM_000388.4 (MANE Select); coding-DNA position 2240, C replaced by G.
Protein change: p.Pro747Arg; replaces proline 747 with arginine.
Molecular consequence: missense variant.
Genome position (GRCh38, 1-based): chr3:122,284,194, C>G. VCF-style: chr3-122284194-C-G. GRCh37 (hg19) VCF-style: chr3-122003041-C-G.
Other names: c.2270C>G, p.Pro757Arg (NM_001178065.2); short protein forms P747R, P757R.
Identifiers: ClinVar variation 1807342 (VCV001807342.2), dbSNP rs2473278884, ClinGen allele CA354159163.
Genomic context (GRCh38, chr3:122,284,194, plus strand): 5'-TGGTTTTCCTCTGCACCTTCATGCAGATTGTCATCTGTGTGATCTGGCTCTACACCGCGC[C>G]CCCGTCAAGCTACCGCAACCAGGAGCTGGAGGATGAGATCATCTTCATCACGTGCCACGA-3'
Protein context (NP_000379.3, residues 737-757): VICVIWLYTA[Pro747Arg]PSSYRNQELE

ClinVar aggregate classification (germline): Uncertain significance. Review status: criteria provided, multiple submitters, no conflicts (2 of 4 stars). 2 submissions from 2 submitters: Uncertain significance (2). Last evaluated 2025-10-23.

Conditions:
Familial hypocalciuric hypercalcemia (FHH). Also called: Familial benign hypercalcemia. Identifiers: Orphanet 405, MedGen C1809471, MONDO:0018458.
Autosomal dominant hypocalcemia 1 (HYPOC1). Also called: HYPOCALCEMIA, FAMILIAL. Identifiers: MedGen C3715128, MONDO:0011013, OMIM 601198.

Submissions (2):

Labcorp Genetics (formerly Invitae), Labcorp
Classification: Uncertain significance for Familial hypocalciuric hypercalcemia; Autosomal dominant hypocalcemia 1. Last evaluated: 2025-10-23. Review status: criteria provided, single submitter. Criteria: Invitae Variant Classification Sherloc (09022015). Collection method: clinical testing. Allele origin: germline.
Comment: This sequence change replaces proline, which is neutral and non-polar, with arginine, which is basic and polar, at codon 747 of the CASR protein (p.Pro747Arg). This variant is not present in population databases (gnomAD no frequency). This variant has not been reported in the literature in individuals affected with CASR-related conditions. ClinVar contains an entry for this variant (Variation ID: 1807342). An algorithm developed to predict the effect of missense changes on protein structure and function (PolyPhen-2) suggests that this variant is likely to be disruptive. In summary, the available evidence is currently insufficient to determine the role of this variant in disease. Therefore, it has been classified as a Variant of Uncertain Significance.

Athena Diagnostics
Classification: Uncertain significance. Last evaluated: 2022-07-12. Review status: criteria provided, single submitter. Criteria: Athena Diagnostics Criteria. Collection method: clinical testing. Allele origin: unknown.